The following is an entry in ClinVar:

ClinVar aggregate classification (germline): Benign (1 of 4 stars; one submission).

Allele frequency attached by ClinVar (database versions not stated): 1000 Genomes Project 30x 0.00078; 1000 Genomes Project 0.00100; TOPMed 0.00163; gnomAD 0.00317.
gnomAD v4.1: 485 of 152,220 alleles (0.32%); highest among the groups gnomAD compares: Non-Finnish European, 0.31%; 6 homozygotes.

Submission:

CeGaT Center for Human Genetics Tuebingen
Classification: Benign. Last evaluated: 2024-04-01. Review status: criteria provided, single submitter. Criteria: CeGaT Center For Human Genetics Tuebingen Variant Classification Criteria Version 2. Collection method: clinical testing. Allele origin: germline. Affected: yes. Observed: 3 variant alleles.
Comment: ETV6: BS1, BS2

NM_001987.5(ETV6):c.1010-6361C>T

Gene: ETV6 (ETS variant transcription factor 6; plus strand). Cytogenetic location: 12p13.2.
Variant type: single nucleotide variant.
Coding change: c.1010-6361C>T on transcript NM_001987.5 (MANE Select); 6361 bases into the intron before coding-DNA position 1010, C replaced by T.
Molecular consequence: intron variant.
Genome position (GRCh38, 1-based): chr12:11,878,084, C>T. VCF-style: chr12-11878084-C-T. GRCh37 (hg19) VCF-style: chr12-12031018-C-T.
Other names: c.983-6361C>T (NM_001413914.1); c.1009+8115C>T (NM_001413917.1); c.1007-6361C>T (NM_001413913.1); c.746-6361C>T (NM_001413915.1).
Identifiers: ClinVar variation 2672492 (VCV002672492.23), dbSNP rs187204156, ClinGen allele CA232614215.